The following is an entry in ClinVar:

NM_032208.3(ANTXR1):c.1105G>A (p.Gly369Ser)

Gene: ANTXR1 (ANTXR cell adhesion molecule 1; plus strand). Cytogenetic location: 2p13.3.
Variant type: single nucleotide variant.
Coding change: c.1105G>A on transcript NM_032208.3 (MANE Select); coding-DNA position 1105, G replaced by A.
Protein change: p.Gly369Ser; replaces glycine 369 with serine.
Molecular consequence: missense variant.
Genome position (GRCh38, 1-based): chr2:69,181,801, G>A. VCF-style: chr2-69181801-G-A. GRCh37 (hg19) VCF-style: chr2-69408933-G-A.
Other names: short protein forms G369S.
Identifiers: ClinVar variation 1032945 (VCV001032945.2), dbSNP rs769332274, ClinGen allele CA1693245.
Genomic context (GRCh38, chr2:69,181,801, plus strand): 5'-AGCAGTGCTGTTTTGCTTCCTTCATGTGCCACAATTTCTCTGCAGGAAGAAGATGATGAT[G>A]GTCTGCCTAAGAAAAAGTGGCCAACGGTAGACGCCTCTTATTATGGTGGGAGAGGCGTTG-3'
Protein context (NP_115584.1, residues 359-379): AEESEEEDDD[Gly369Ser]LPKKKWPTVD

ClinVar aggregate classification (germline): Uncertain significance. Review status: criteria provided, multiple submitters, no conflicts (2 of 4 stars). 2 submissions from 2 submitters: Uncertain significance (2). Last evaluated 2025-02-12.

Conditions:
Inborn genetic diseases. Identifiers: MedGen C0950123, MeSH D030342.
GAPO syndrome. Identifiers: Orphanet 2067, MedGen C0406723, MONDO:0009263, OMIM 230740.

Allele frequency attached by ClinVar (database versions not stated): ExAC 0.00001; gnomAD 0.00001; gnomAD exomes 0.00002 and 0.00003; TOPMed 0.00004.
gnomAD v4.1: 13 of 1,613,916 alleles (0.00081%); highest among the groups gnomAD compares: Admixed American, 0.022%; no homozygotes.

Submissions (2):

Ambry Genetics
Classification: Uncertain significance for Inborn genetic diseases. Last evaluated: 2025-02-12. Review status: criteria provided, single submitter. Criteria: Ambry Variant Classification Scheme 2023. Collection method: clinical testing. Allele origin: germline.

Baylor Genetics
Classification: Uncertain significance for GAPO syndrome. Last evaluated: 2018-05-14. Review status: criteria provided, single submitter. Criteria: ACMG Guidelines, 2015. Collection method: clinical testing. Allele origin: maternal. Affected: yes.
Comment: This variant was determined to be of uncertain significance according to ACMG Guidelines, 2015 [PMID:25741868].